The following is an entry in ClinVar:

NM_001101362.3(KBTBD13):c.*305C>T

Gene: KBTBD13 (kelch repeat and BTB domain containing 13; plus strand). Cytogenetic location: 15q22.31.
Variant type: single nucleotide variant.
Coding change: c.*305C>T on transcript NM_001101362.3 (MANE Select); 305 bases downstream of the stop codon, C replaced by T.
Molecular consequence: 3 prime UTR variant.
Genome position (GRCh38, 1-based): chr15:65,078,497, C>T. VCF-style: chr15-65078497-C-T. GRCh37 (hg19) VCF-style: chr15-65370835-C-T.
Identifiers: ClinVar variation 316757 (VCV000316757.7), dbSNP rs2946643, ClinGen allele CA10636352.

ClinVar aggregate classification (germline): Benign. Review status: criteria provided, multiple submitters, no conflicts (2 of 4 stars). 3 submissions from 3 submitters: Benign (3). Last evaluated 2018-06-18.

Conditions:
Nemaline myopathy 6 (NEM6). Also called: Nemaline myopathy 6, autosomal dominant. Identifiers: Orphanet 171439, MedGen C1836472, MONDO:0012237, OMIM 609273.

Allele frequency attached by ClinVar (database versions not stated): gnomAD 0.85810 and 0.85557; TOPMed 0.86202; 1000 Genomes Project 30x 0.88585; 1000 Genomes Project 0.88938.

Submissions (3):

GeneDx
Classification: Benign. Last evaluated: 2018-06-18. Review status: criteria provided, single submitter. Criteria: GeneDx Variant Classification Process June 2021. Collection method: clinical testing. Allele origin: germline. Affected: yes.

Illumina Laboratory Services, Illumina
Classification: Benign for Nemaline myopathy 6. Last evaluated: 2018-01-12. Review status: criteria provided, single submitter. Criteria: ICSL Variant Classification Criteria 13 December 2019. Collection method: clinical testing. Allele origin: germline.
Comment: This variant was observed in the ICSL laboratory as part of a predisposition screen in an ostensibly healthy population. It had not been previously curated by ICSL or reported in the Human Gene Mutation Database (HGMD: prior to June 1st, 2018), and was therefore a candidate for classification through an automated scoring system. Utilizing variant allele frequency, disease prevalence and penetrance estimates, and inheritance mode, an automated score was calculated to assess if this variant is too frequent to cause the disease. Based on the score and internal cut-off values, a variant classified as benign is not then subjected to further curation. The score for this variant resulted in a classification of benign for this disease.

Breakthrough Genomics
Classification: Benign. Review status: criteria provided, single submitter. Criteria: ACMG Guidelines, 2015. Collection method: not provided. Allele origin: germline. Inheritance: Autosomal dominant inheritance. Affected: yes.